The following is an entry in ClinVar:

ClinVar aggregate classification (germline): Uncertain significance (1 of 4 stars; one submission).

Conditions:
Epilepsy. Also called: Seizure disorder. Identifiers: MedGen C0014544, MeSH D004827, MONDO:0005027.

Allele frequency attached by ClinVar (database versions not stated): gnomAD exomes 0.00006; gnomAD 0.00004 and 0.00002; 1000 Genomes Project 30x 0.00062; TOPMed 0.00002; ExAC 0.00011; 1000 Genomes Project 0.00040.
gnomAD v4.1: 48 of 1,604,876 alleles (0.003%); highest among the groups gnomAD compares: South Asian, 0.029%; no homozygotes.

Submission:

Labcorp Genetics (formerly Invitae), Labcorp
Classification: Uncertain significance for Epilepsy. Last evaluated: 2022-07-19. Review status: criteria provided, single submitter. Criteria: Invitae Variant Classification Sherloc (09022015). Collection method: clinical testing. Allele origin: germline.
Comment: In summary, the available evidence is currently insufficient to determine the role of this variant in disease. Therefore, it has been classified as a Variant of Uncertain Significance. Algorithms developed to predict the effect of missense changes on protein structure and function are either unavailable or do not agree on the potential impact of this missense change (SIFT: "Deleterious"; PolyPhen-2: "Probably Damaging"; Align-GVGD: "Class C0"). ClinVar contains an entry for this variant (Variation ID: 955887). This variant has not been reported in the literature in individuals affected with PIGQ-related conditions. This variant is present in population databases (rs200922564, gnomAD 0.03%). This sequence change replaces valine, which is neutral and non-polar, with methionine, which is neutral and non-polar, at codon 513 of the PIGQ protein (p.Val513Met).

NM_004204.5(PIGQ):c.1537G>A (p.Val513Met)

Gene: PIGQ (phosphatidylinositol glycan anchor biosynthesis class Q; plus strand). Cytogenetic location: 16p13.3.
Variant type: single nucleotide variant.
Coding change: c.1537G>A on transcript NM_004204.5 (MANE Select); coding-DNA position 1537, G replaced by A.
Protein change: p.Val513Met; replaces valine 513 with methionine.
Molecular consequence: missense variant. On other transcripts: intron variant (1).
Genome position (GRCh38, 1-based): chr16:582,253, G>A. VCF-style: chr16-582253-G-A. GRCh37 (hg19) VCF-style: chr16-632253-G-A.
Other names: c.1532-630G>A (NM_148920.4); short protein forms V513M.
Identifiers: ClinVar variation 955887 (VCV000955887.8), dbSNP rs200922564, ClinGen allele CA7780432.
Genomic context (GRCh38, chr16:582,253, plus strand): 5'-ATGTGTGGGGCCAGCCCCCACGCGTCCCCTCGTCAGCCGCTTGCTATCCTTGCAGCTGGC[G>A]TGAAGTTCCGTGTCCTCCGGCACGAGGCCGGCAGGCCCCTCCGCCTCCTGATGCAGGTGA-3'
Protein context (NP_004195.2, residues 503-523): LCRPYRLAAG[Val513Met]KFRVLRHEAG